The following is an entry in ClinVar:

ClinVar aggregate classification (germline): Likely benign (1 of 4 stars; one submission).

Conditions:
KCNQ1-related disorder. Also called: KCNQ1-related disorders; KCNQ1-related condition. Identifiers: MedGen CN239322.

gnomAD v4.1: 1 of 395,982 alleles (0.00025%); highest among the groups gnomAD compares: African/African-American, 0.0021%; no homozygotes.

Submission:

PreventionGenetics, part of Exact Sciences
Classification: Likely benign for KCNQ1-related condition. Last evaluated: 2025-06-16. Review status: criteria provided, single submitter. Criteria: ACMG Guidelines, 2015. Collection method: clinical testing. Allele origin: germline.
Comment: This variant is classified as likely benign based on ACMG/AMP sequence variant interpretation guidelines (Richards et al. 2015 PMID: 25741868, with internal and published modifications).

NM_000218.3(KCNQ1):c.1394-6251C>G

Genes: KCNQ1 (potassium voltage-gated channel subfamily Q member 1; plus strand), KCNQ1OT1 (KCNQ1 opposite strand/antisense transcript 1; minus strand). Cytogenetic location: 11p15.5.
Variant type: single nucleotide variant.
Coding change: c.1394-6251C>G on transcript NM_000218.3 (MANE Select); 6251 bases into the intron before coding-DNA position 1394, C replaced by G.
Molecular consequence: intron variant. On other transcripts: non-coding transcript variant (1).
Genome position (GRCh38, 1-based): chr11:2,655,710, C>G. VCF-style: chr11-2655710-C-G. GRCh37 (hg19) VCF-style: chr11-2676940-C-G.
Other names: c.1124-6251C>G (NM_001406837.1); c.1298-6251C>G (NM_001406836.1); c.854-6251C>G (NM_001406838.1); c.1013-6251C>G (NM_181798.2).
Identifiers: ClinVar variation 4985027 (VCV004985027.1).